The following is an entry in ClinVar:

ClinVar aggregate classification (germline): Likely pathogenic (0 of 4 stars; one submission).

Conditions:
MKKS-related disorder. Also called: MKKS-related condition; MKKS-related disorders.

gnomAD v4.1: 1 of 1,614,100 alleles (0.000062%); highest among the groups gnomAD compares: Non-Finnish European, 0.000085%; no homozygotes.

Submission:

PreventionGenetics, part of Exact Sciences
Classification: Likely pathogenic for MKKS-related condition. Last evaluated: 2024-06-24. Review status: no assertion criteria provided. Collection method: clinical testing. Allele origin: germline.
Comment: The MKKS c.530T>A variant is predicted to result in premature protein termination (p.Leu177*). To our knowledge, this variant has not been reported in the literature. This variant is reported in 0.00088% of alleles in individuals of European (Non-Finnish) descent in gnomAD. Nonsense variants in MKKS are expected to be pathogenic. This variant is interpreted as likely pathogenic.

NM_170784.3(MKKS):c.530T>A (p.Leu177Ter)

Gene: MKKS (MKKS centrosomal shuttling protein; minus strand). Cytogenetic location: 20p12.2.
Variant type: single nucleotide variant.
Coding change: c.530T>A on transcript NM_170784.3 (MANE Select); coding-DNA position 530, T replaced by A.
Protein change: p.Leu177Ter; replaces leucine 177 with a stop codon.
Molecular consequence: nonsense.
Genome position (GRCh38, 1-based): chr20:10,412,985, A>T on the plus strand (T>A on the coding strand, the complement: MKKS is on the minus strand). VCF-style: chr20-10412985-A-T. GRCh37 (hg19) VCF-style: chr20-10393633-A-T.
Other names: c.530T>A, p.Leu177Ter (NM_018848.3); short protein forms L177*.
Identifiers: ClinVar variation 3356735 (VCV003356735.1).